The following is an entry in ClinVar:

ClinVar aggregate classification (germline): Uncertain significance (1 of 4 stars; one submission).

Conditions:
Cardiovascular phenotype. Identifiers: MedGen CN230736.

gnomAD v4.1: 4 of 1,550,204 alleles (0.00026%); highest among the groups gnomAD compares: Non-Finnish European, 0.00035%; no homozygotes.

Submission:

Ambry Genetics
Classification: Uncertain significance for Cardiovascular phenotype. Last evaluated: 2024-06-11. Review status: criteria provided, single submitter. Criteria: Ambry Variant Classification Scheme 2023. Collection method: clinical testing. Allele origin: germline.
Comment: The p.G1890A variant (also known as c.5669G>C), located in coding exon 2 of the ZNF469 gene, results from a G to C substitution at nucleotide position 5669. The glycine at codon 1890 is replaced by alanine, an amino acid with similar properties. This amino acid position is conserved. In addition, this alteration is predicted to be tolerated by in silico analysis. Based on the available evidence, the clinical significance of this variant remains unclear.

NM_001367624.2(ZNF469):c.5753G>C (p.Gly1918Ala)

Gene: ZNF469 (zinc finger protein 469; plus strand). Cytogenetic location: 16q24.2.
Variant type: single nucleotide variant.
Coding change: c.5753G>C on transcript NM_001367624.2 (MANE Select); coding-DNA position 5753, G replaced by C.
Protein change: p.Gly1918Ala; replaces glycine 1918 with alanine.
Molecular consequence: missense variant.
Genome position (GRCh38, 1-based): chr16:88,433,223, G>C. VCF-style: chr16-88433223-G-C. GRCh37 (hg19) VCF-style: chr16-88499631-G-C.
Other names: NM_001127464.1:c.5669G>C; short protein forms G1918A.
Identifiers: ClinVar variation 3258195 (VCV003258195.1).